The following is an entry in ClinVar:

NM_001130438.3(SPTAN1):c.1300G>T (p.Ala434Ser)

Gene: SPTAN1 (spectrin alpha, non-erythrocytic 1; plus strand). Cytogenetic location: 9q34.11.
Variant type: single nucleotide variant.
Coding change: c.1300G>T on transcript NM_001130438.3 (MANE Select); coding-DNA position 1300, G replaced by T.
Protein change: p.Ala434Ser; replaces alanine 434 with serine.
Molecular consequence: missense variant.
Genome position (GRCh38, 1-based): chr9:128,579,715, G>T. VCF-style: chr9-128579715-G-T. GRCh37 (hg19) VCF-style: chr9-131341994-G-T.
Other names: c.1300G>T, p.Ala434Ser (NM_001195532.2, NM_001363759.2, NM_001363765.2 and 5 more transcripts); c.1336G>T, p.Ala446Ser (NM_001375312.2, NM_001375318.1); short protein forms A434S, A446S.
Identifiers: ClinVar variation 1712850 (VCV001712850.5), dbSNP rs2541094605, ClinGen allele CA375052331.
Genomic context (GRCh38, chr9:128,579,715, plus strand): 5'-GAAGACAGCTTCAAATCTGCAGATGAATCTGGACAGGCACTGCTTGCTGCTGGTCACTAT[G>T]CCTCAGATGAAGTGAGGGAGAAGGTAAGAGAAGAGAAATGGAGCTTTTGAGGAGCAAATT-3'
Protein context (NP_001123910.1, residues 424-444): GQALLAAGHY[Ala434Ser]SDEVREKLTV

ClinVar aggregate classification (germline): Uncertain significance. Review status: criteria provided, multiple submitters, no conflicts (2 of 4 stars). 2 submissions from 2 submitters: Uncertain significance (2). Last evaluated 2022-11-24.

Conditions:
Early-infantile DEE. Also called: Early infantile epileptic encephalopathy with suppression bursts; Early infantile epileptic encephalopathy; Ohtahara syndrome. Identifiers: Orphanet 1934, MedGen C0393706, MONDO:0800491.

Submissions (2):

Labcorp Genetics (formerly Invitae), Labcorp
Classification: Uncertain significance for Early-infantile DEE. Last evaluated: 2022-11-24. Review status: criteria provided, single submitter. Criteria: Invitae Variant Classification Sherloc (09022015). Collection method: clinical testing. Allele origin: germline.
Comment: This variant is not present in population databases (gnomAD no frequency). In summary, the available evidence is currently insufficient to determine the role of this variant in disease. Therefore, it has been classified as a Variant of Uncertain Significance. Advanced modeling of protein sequence and biophysical properties (such as structural, functional, and spatial information, amino acid conservation, physicochemical variation, residue mobility, and thermodynamic stability) has been performed at Invitae for this missense variant, however the output from this modeling did not meet the statistical confidence thresholds required to predict the impact of this variant on SPTAN1 protein function. This variant has not been reported in the literature in individuals affected with SPTAN1-related conditions. This sequence change replaces alanine, which is neutral and non-polar, with serine, which is neutral and polar, at codon 434 of the SPTAN1 protein (p.Ala434Ser).

GeneDx
Classification: Uncertain significance. Last evaluated: 2022-04-26. Review status: criteria provided, single submitter. Criteria: GeneDx Variant Classification Process June 2021. Collection method: clinical testing. Allele origin: germline. Affected: yes.
Comment: Not observed at significant frequency in large population cohorts (gnomAD); In silico analysis supports that this missense variant does not alter protein structure/function; Has not been previously published as pathogenic or benign to our knowledge